The following is an entry in ClinVar:

ClinVar aggregate classification (germline): Likely pathogenic (1 of 4 stars; one submission).

Conditions:
Hereditary spherocytosis type 1. Also called: Spherocytosis type 1; ANK1-Related Spherocytosis. Identifiers: Orphanet 822, MedGen C2674218, MONDO:0008447, OMIM 182900.

Submission:

Juno Genomics, Hangzhou Juno Genomics, Inc
Classification: Likely pathogenic for Hereditary spherocytosis type 1. Review status: criteria provided, single submitter. Criteria: ACMG Guidelines, 2015. Collection method: clinical testing. Allele origin: germline.
Comment: Null variant in a gene where loss of function (LOF) is a known mechanism of disease.;Absent from controls (or at extremely low frequency if recessive) in Genome Aggregation Database.

NM_000037.4(ANK1):c.4799G>A (p.Trp1600Ter)

Gene: ANK1 (ankyrin 1; minus strand). Cytogenetic location: 8p11.21.
Variant type: single nucleotide variant.
Coding change: c.4799G>A on transcript NM_000037.4 (MANE Select); coding-DNA position 4799, G replaced by A.
Protein change: p.Trp1600Ter; replaces tryptophan 1600 with a stop codon.
Molecular consequence: nonsense. On other transcripts: intron variant (1).
Genome position (GRCh38, 1-based): chr8:41,672,651, C>T on the plus strand (G>A on the coding strand, the complement: ANK1 is on the minus strand). VCF-style: chr8-41672651-C-T. GRCh37 (hg19) VCF-style: chr8-41530169-C-T.
Other names: c.4922G>A, p.Trp1641Ter (NM_001142446.2); c.4799G>A, p.Trp1600Ter (NM_020475.3, NM_020476.3); c.4538-225G>A (NM_020477.3); short protein forms W1600*, W1641*.
Identifiers: ClinVar variation 5007313 (VCV005007313.2).